The following is an entry in ClinVar:

NM_000051.4(ATM):c.3146T>C (p.Leu1049Ser)

Gene: ATM (ATM serine/threonine kinase; plus strand). Cytogenetic location: 11q22.3.
Variant type: single nucleotide variant.
Coding change: c.3146T>C on transcript NM_000051.4 (MANE Select); coding-DNA position 3146, T replaced by C.
Protein change: p.Leu1049Ser; replaces leucine 1049 with serine.
Molecular consequence: missense variant.
Genome position (GRCh38, 1-based): chr11:108,272,600, T>C. VCF-style: chr11-108272600-T-C. GRCh37 (hg19) VCF-style: chr11-108143327-T-C.
Other names: c.3146T>C, p.Leu1049Ser (NM_001351834.2); short protein forms L1049S.
Identifiers: ClinVar variation 489531 (VCV000489531.17), dbSNP rs1373504805, ClinGen allele CA382515364.
Genomic context (GRCh38, chr11:108,272,600, plus strand): 5'-CAAAGGAGAGGAAATATATATTCTCTGTAAGAATGGCCCTAGTAAATTGCCTTAAAACTT[T>C]GCTTGAGGTGAGTTTTTGCATTTTTTTAGTAAGATCTCCATTGAAAATTTTAAAGCAGTC-3'
Protein context (NP_000042.3, residues 1039-1059): RMALVNCLKT[Leu1049Ser]LEADPYSKWA

ClinVar aggregate classification (germline): Uncertain significance. Review status: criteria provided, multiple submitters, no conflicts (2 of 4 stars). 6 submissions from 6 submitters: Uncertain significance (5). 1 of the submissions does not count toward it. Last evaluated 2025-12-08.

Conditions:
Hereditary cancer-predisposing syndrome. Also called: Tumor predisposition; Neoplastic Syndromes, Hereditary; Hereditary Cancer Syndrome; Hereditary neoplastic syndrome. Identifiers: Orphanet 140162, MedGen C0027672, MeSH D009386, MONDO:0015356.
Ataxia-telangiectasia syndrome (AT). Also called: Ataxia-telangiectasia; Ataxia-telangiectasia, complementation group D; AT, COMPLEMENTATION GROUP C; LOUIS-BAR SYNDROME; Cerebello-oculocutaneous telangiectasia; Immunodeficiency with ataxia telangiectasia. Identifiers: Orphanet 100, MedGen C0004135, MONDO:0008840, OMIM 208900.

Submissions (6):

Ambry Genetics
Classification: Uncertain significance for Hereditary cancer-predisposing syndrome. Last evaluated: 2025-12-08. Review status: criteria provided, single submitter. Criteria: Ambry Variant Classification Scheme 2023. Collection method: clinical testing. Allele origin: germline.
Comment: The p.L1049S variant (also known as c.3146T>C), located in coding exon 20 of the ATM gene, results from a T to C substitution at nucleotide position 3146. The leucine at codon 1049 is replaced by serine, an amino acid with dissimilar properties. This amino acid position is highly conserved in available vertebrate species. In addition, this alteration is predicted to be deleterious by in silico analysis. Based on the available evidence, the clinical significance of this variant remains unclear.

Quest Diagnostics Nichols Institute San Juan Capistrano
Classification: Uncertain significance. Last evaluated: 2025-10-08. Review status: criteria provided, single submitter. Criteria: Quest Diagnostics criteria. Collection method: clinical testing. Allele origin: unknown.

Labcorp Genetics (formerly Invitae), Labcorp
Classification: Uncertain significance for Ataxia-telangiectasia syndrome. Last evaluated: 2025-03-30. Review status: criteria provided, single submitter. Criteria: Invitae Variant Classification Sherloc (09022015). Collection method: clinical testing. Allele origin: germline.
Comment: This sequence change replaces leucine, which is neutral and non-polar, with serine, which is neutral and polar, at codon 1049 of the ATM protein (p.Leu1049Ser). This variant is not present in population databases (gnomAD no frequency). This variant has not been reported in the literature in individuals affected with ATM-related conditions. ClinVar contains an entry for this variant (Variation ID: 489531). Invitae Evidence Modeling of protein sequence and biophysical properties (such as structural, functional, and spatial information, amino acid conservation, physicochemical variation, residue mobility, and thermodynamic stability) has been performed for this missense variant. However, the output from this modeling did not meet the statistical confidence thresholds required to predict the impact of this variant on ATM protein function. In summary, the available evidence is currently insufficient to determine the role of this variant in disease. Therefore, it has been classified as a Variant of Uncertain Significance.

Color Diagnostics, LLC DBA Color Health
Classification: Uncertain significance for Hereditary cancer-predisposing syndrome. Last evaluated: 2022-02-17. Review status: criteria provided, single submitter. Criteria: ACMG Guidelines, 2015. Collection method: clinical testing. Allele origin: germline.
Comment: This missense variant replaces leucine with serine at codon 1049 of the ATM protein. Computational prediction suggests that this variant may have deleterious impact on protein structure and function (internally defined REVEL score threshold >= 0.7, PMID: 27666373). To our knowledge, functional studies have not been reported for this variant. This variant has not been reported in individuals affected with hereditary cancer in the literature. This variant has not been identified in the general population by the Genome Aggregation Database (gnomAD). The available evidence is insufficient to determine the role of this variant in disease conclusively. Therefore, this variant is classified as a Variant of Uncertain Significance.

Mendelics
Classification: Uncertain significance for Ataxia-telangiectasia syndrome. Last evaluated: 2018-07-02. Review status: criteria provided, single submitter. Criteria: Mendelics Assertion Criteria 2017. Collection method: clinical testing. Allele origin: unknown.

Natera, Inc.
Classification: Uncertain significance for Ataxia-telangiectasia. Last evaluated: 2020-09-16. Review status: no assertion criteria provided. Collection method: clinical testing. Allele origin: germline. Not counted in ClinVar's aggregate classification.